The following is an entry in ClinVar:

ClinVar aggregate classification (germline): Likely benign (1 of 4 stars; one submission).

Conditions:
Childhood apraxia of speech (SPCH1). Also called: DEVELOPMENTAL VERBAL DYSPRAXIA; Speech language disorder; FOXP2-Related Speech and Language Disorder; SPEECH AND LANGUAGE DISORDER WITH OROFACIAL DYSPRAXIA. Identifiers: Orphanet 209908, MedGen C0750927, MONDO:0011184, OMIM 602081.

Allele frequency attached by ClinVar (database versions not stated): gnomAD exomes 0.00012 and 0.00013; gnomAD 0.00021; 1000 Genomes Project 30x 0.00031; TOPMed 0.00031; ExAC 0.00037; 1000 Genomes Project 0.00040.
gnomAD v4.1: 73 of 453,896 alleles (0.016%); highest among the groups gnomAD compares: Middle Eastern, 0.069%; no homozygotes.

Submission:

Illumina Laboratory Services, Illumina
Classification: Likely benign for Childhood apraxia of speech. Last evaluated: 2018-01-13. Review status: criteria provided, single submitter. Criteria: ICSL Variant Classification Criteria 13 December 2019. Collection method: clinical testing. Allele origin: germline.
Comment: This variant was observed in the ICSL laboratory as part of a predisposition screen in an ostensibly healthy population. It had not been previously curated by ICSL or reported in the Human Gene Mutation Database (HGMD: prior to June 1st, 2018), and was therefore a candidate for classification through an automated scoring system. Utilizing variant allele frequency, disease prevalence and penetrance estimates, and inheritance mode, an automated score was calculated to assess if this variant is too frequent to cause the disease. Based on the score and internal cut-off values, a variant classified as likely benign is not then subjected to further curation. The score for this variant resulted in a classification of likely benign for this disease.

NM_014491.4(FOXP2):c.*2302G>A

Gene: FOXP2 (forkhead box P2; plus strand). Cytogenetic location: 7q31.1.
Variant type: single nucleotide variant.
Coding change: c.*2302G>A on transcript NM_014491.4 (MANE Select); 2302 bases downstream of the stop codon, G replaced by A.
Molecular consequence: 3 prime UTR variant. On other transcripts: non-coding transcript variant (2).
Genome position (GRCh38, 1-based): chr7:114,692,228, G>A. VCF-style: chr7-114692228-G-A. GRCh37 (hg19) VCF-style: chr7-114332283-G-A.
Other names: c.*2302G>A (NM_001172766.3, NM_148898.4, NM_148900.4).
Identifiers: ClinVar variation 358655 (VCV000358655.5), dbSNP rs192272516, ClinGen allele CA4446468.